The following is an entry in ClinVar:

ClinVar aggregate classification (germline): Uncertain significance (1 of 4 stars; one submission).

Submission:

GeneDx
Classification: Uncertain significance. Last evaluated: 2025-03-26. Review status: criteria provided, single submitter. Criteria: GeneDx Variant Classification Process June 2021. Collection method: clinical testing. Allele origin: germline. Affected: yes.
Comment: Not observed at significant frequency in large population cohorts (gnomAD); In silico analysis indicates that this missense variant does not alter protein structure/function; Has not been previously published as pathogenic or benign to our knowledge.

NM_014712.3(SETD1A):c.2732G>A (p.Arg911Lys)

Gene: SETD1A (SET domain containing 1A, histone lysine methyltransferase; plus strand). Cytogenetic location: 16p11.2.
Variant type: single nucleotide variant.
Coding change: c.2732G>A on transcript NM_014712.3 (MANE Select); coding-DNA position 2732, G replaced by A.
Protein change: p.Arg911Lys; replaces arginine 911 with lysine.
Molecular consequence: missense variant.
Genome position (GRCh38, 1-based): chr16:30,967,550, G>A. VCF-style: chr16-30967550-G-A. GRCh37 (hg19) VCF-style: chr16-30978871-G-A.
Other names: short protein forms R911K.
Identifiers: ClinVar variation 4088020 (VCV004088020.1).